The following is an entry in ClinVar:

NM_001458.5(FLNC):c.1923C>T (p.His641=)

Gene: FLNC (filamin C; plus strand). Cytogenetic location: 7q32.1.
Variant type: single nucleotide variant.
Coding change: c.1923C>T on transcript NM_001458.5 (MANE Select); coding-DNA position 1923, C replaced by T.
Protein change: p.His641=; no amino-acid change (histidine 641 retained).
Molecular consequence: synonymous variant.
Genome position (GRCh38, 1-based): chr7:128,841,279, C>T. VCF-style: chr7-128841279-C-T. GRCh37 (hg19) VCF-style: chr7-128481333-C-T.
Other names: p.His641=; c.1923C>T, p.His641= (NM_001127487.2).
Identifiers: ClinVar variation 471990 (VCV000471990.25), dbSNP rs375361259, ClinGen allele CA4474530.

ClinVar aggregate classification (germline): Benign/Likely benign. Review status: criteria provided, multiple submitters, no conflicts (2 of 4 stars). 11 submissions from 11 submitters: Benign (1); Likely benign (6). 4 of the submissions do not count toward it. Last evaluated 2026-01-27.

Conditions:
FLNC-related disorder. Also called: FLNC-related condition; FLNC-related disorders.
Cardiovascular phenotype. Identifiers: MedGen CN230736.
Myofibrillar myopathy 5. Also called: Filaminopathy (type); FILAMINOPATHY, AUTOSOMAL DOMINANT. Identifiers: Orphanet 171445, MedGen C1836050, MONDO:0012289, OMIM 609524.
Hypertrophic cardiomyopathy 26. Also called: Cardiomyopathy, familial hypertrophic, 26. Identifiers: Orphanet 75249, MedGen C4310749, MONDO:0014883, OMIM 617047.
Distal myopathy with posterior leg and anterior hand involvement. Also called: WILLIAMS DISTAL MYOPATHY. Identifiers: Orphanet 63273, MedGen C3279722, MONDO:0013550, OMIM 614065.

Allele frequency attached by ClinVar (database versions not stated): ESP Exome Variant Server 0.00016; gnomAD 0.00016; TOPMed 0.00021; gnomAD exomes 0.00023 and 0.00029; ExAC 0.00030.
gnomAD v4.1: 441 of 1,614,000 alleles (0.027%); highest among the groups gnomAD compares: Non-Finnish European, 0.033%; no homozygotes.

Submissions (11):

Labcorp Genetics (formerly Invitae), Labcorp
Classification: Likely benign for Distal myopathy with posterior leg and anterior hand involvement; Myofibrillar myopathy 5; Hypertrophic cardiomyopathy 26. Last evaluated: 2026-01-27. Review status: criteria provided, single submitter. Criteria: Invitae Variant Classification Sherloc (09022015). Collection method: clinical testing. Allele origin: germline.

Mayo Clinic Laboratories, Mayo Clinic
Classification: Likely benign. Last evaluated: 2025-09-11. Review status: criteria provided, single submitter. Criteria: ACMG Guidelines, 2015. Collection method: clinical testing. Allele origin: germline. Observed: 1 variant allele.
Comment: BP4, BP7

Molecular Diagnostic Laboratory for Inherited Cardiovascular Disease, Montreal Heart Institute
Classification: Likely benign. Last evaluated: 2025-04-09. Review status: criteria provided, single submitter. Criteria: ACMG Guidelines, 2015. Collection method: clinical testing. Allele origin: germline. Affected: no.

Blueprint Genetics
Classification: Likely benign. Last evaluated: 2024-11-04. Review status: criteria provided, single submitter. Criteria: ACMG Guidelines, 2015. Collection method: clinical testing. Allele origin: germline.

Women's Health and Genetics/Laboratory Corporation of America, LabCorp
Classification: Benign. Last evaluated: 2024-03-30. Review status: criteria provided, single submitter. Criteria: LabCorp Variant Classification Summary - May 2015. Collection method: clinical testing. Allele origin: germline.

GeneDx
Classification: Likely benign. Last evaluated: 2021-05-26. Review status: criteria provided, single submitter. Criteria: GeneDx Variant Classification Process June 2021. Collection method: clinical testing. Allele origin: germline. Affected: yes.

Ambry Genetics
Classification: Likely benign for Cardiovascular phenotype. Last evaluated: 2019-05-15. Review status: criteria provided, single submitter. Criteria: Ambry Variant Classification Scheme 2023. Collection method: clinical testing. Allele origin: germline.

PreventionGenetics, part of Exact Sciences
Classification: Likely benign for FLNC-related condition. Last evaluated: 2020-04-23. Review status: no assertion criteria provided. Collection method: clinical testing. Allele origin: germline. Not counted in ClinVar's aggregate classification.
Comment: This variant is classified as likely benign based on ACMG/AMP sequence variant interpretation guidelines (Richards et al. 2015 PMID: 25741868, with internal and published modifications).

Clinical Genetics DNA and cytogenetics Diagnostics Lab, Erasmus MC, Erasmus Medical Center
Classification: Likely benign. Review status: no assertion criteria provided. Collection method: clinical testing. Allele origin: germline. Affected: yes. Study: VKGL Data-share Consensus. Not counted in ClinVar's aggregate classification.

Clinical Genetics, Academic Medical Center
Classification: Benign. Review status: no assertion criteria provided. Collection method: clinical testing. Allele origin: germline. Affected: yes. Study: VKGL Data-share Consensus. Not counted in ClinVar's aggregate classification.

Genome Diagnostics Laboratory, University Medical Center Utrecht
Classification: Likely benign. Review status: no assertion criteria provided. Collection method: clinical testing. Allele origin: germline. Affected: yes. Study: VKGL Data-share Consensus. Not counted in ClinVar's aggregate classification.